The following is an entry in ClinVar:

NM_016034.5(MRPS2):c.677A>G (p.Asn226Ser)

Genes: MRPS2 (mitochondrial ribosomal protein S2; plus strand), LOC101928525 (uncharacterized LOC101928525; minus strand). Cytogenetic location: 9q34.3.
Variant type: single nucleotide variant.
Coding change: c.677A>G on transcript NM_016034.5 (MANE Select); coding-DNA position 677, A replaced by G.
Protein change: p.Asn226Ser; replaces asparagine 226 with serine.
Molecular consequence: missense variant. On other transcripts: non-coding transcript variant (4).
Genome position (GRCh38, 1-based): chr9:135,503,919, A>G. VCF-style: chr9-135503919-A-G. GRCh37 (hg19) VCF-style: chr9-138395765-A-G.
Other names: c.677A>G, p.Asn226Ser (NM_001371401.1); short protein forms N226S.
Identifiers: ClinVar variation 2970159 (VCV002970159.3), dbSNP rs1404568794, ClinGen allele CA375485248.

ClinVar aggregate classification (germline): Uncertain significance (1 of 4 stars; one submission).

Submission:

Labcorp Genetics (formerly Invitae), Labcorp
Classification: Uncertain significance. Last evaluated: 2023-04-20. Review status: criteria provided, single submitter. Criteria: Invitae Variant Classification Sherloc (09022015). Collection method: clinical testing. Allele origin: germline.
Comment: In summary, the available evidence is currently insufficient to determine the role of this variant in disease. Therefore, it has been classified as a Variant of Uncertain Significance. Advanced modeling of protein sequence and biophysical properties (such as structural, functional, and spatial information, amino acid conservation, physicochemical variation, residue mobility, and thermodynamic stability) performed at Invitae indicates that this missense variant is not expected to disrupt MRPS2 protein function. This variant has not been reported in the literature in individuals affected with MRPS2-related conditions. This variant is not present in population databases (gnomAD no frequency). This sequence change replaces asparagine, which is neutral and polar, with serine, which is neutral and polar, at codon 226 of the MRPS2 protein (p.Asn226Ser).